The following is an entry in ClinVar:

ClinVar aggregate classification (germline): Pathogenic (1 of 4 stars; one submission).

Conditions:
Carnitine palmitoyltransferase II deficiency. Also called: Carnitine Palmitoyltransferase 2 Deficiency. Identifiers: Orphanet 157, MedGen C0342790, MONDO:0015515.

Submission:

Labcorp Genetics (formerly Invitae), Labcorp
Classification: Pathogenic for Carnitine palmitoyltransferase II deficiency. Last evaluated: 2022-08-23. Review status: criteria provided, single submitter. Criteria: Invitae Variant Classification Sherloc (09022015). Collection method: clinical testing. Allele origin: germline.
Comment: This sequence change creates a premature translational stop signal (p.Pro196Leufs*51) in the CPT2 gene. It is expected to result in an absent or disrupted protein product. Loss-of-function variants in CPT2 are known to be pathogenic (PMID: 16781677, 16996287). For these reasons, this variant has been classified as Pathogenic. ClinVar contains an entry for this variant (Variation ID: 956433). This variant has not been reported in the literature in individuals affected with CPT2-related conditions. This variant is not present in population databases (gnomAD no frequency).

Literature cited by the submitters: PubMed 16781677; PubMed 16996287.

NM_000098.3(CPT2):c.585del (p.Pro196fs)

Gene: CPT2 (carnitine palmitoyltransferase 2; plus strand). Cytogenetic location: 1p32.3.
Variant type: Deletion.
Coding change: c.585del on transcript NM_000098.3 (MANE Select); coding-DNA position 585, one base deleted (G; older notation c.585delG).
Protein change: p.Pro196fs; shifts the reading frame from proline 196.
Molecular consequence: frameshift variant.
Genome position (GRCh38, 1-based): chr1:53,210,259, G deleted. VCF-style (leftmost placement, unchanged base first): chr1-53210258-TG-T. GRCh37 (hg19) VCF-style: chr1-53675930-TG-T.
Other names: c.585del, p.Pro196fs (NM_001330589.2); short protein forms P196fs.
Identifiers: ClinVar variation 956433 (VCV000956433.7), dbSNP rs1645413342, ClinGen allele CA1139656123.